The following is an entry in ClinVar:

ClinVar aggregate classification (germline): Uncertain significance (1 of 4 stars; one submission).

Allele frequency attached by ClinVar (database versions not stated): ExAC 0.00002.
gnomAD v4.1: 17 of 1,581,076 alleles (0.0011%); highest among the groups gnomAD compares: Admixed American, 0.0033%; no homozygotes.

Submission:

Labcorp Genetics (formerly Invitae), Labcorp
Classification: Uncertain significance. Last evaluated: 2024-11-05. Review status: criteria provided, single submitter. Criteria: Invitae Variant Classification Sherloc (09022015). Collection method: clinical testing. Allele origin: germline.
Comment: This sequence change replaces proline, which is neutral and non-polar, with arginine, which is basic and polar, at codon 250 of the GTF2E2 protein (p.Pro250Arg). This variant is present in population databases (rs773888848, gnomAD 0.003%). This variant has not been reported in the literature in individuals affected with GTF2E2-related conditions. ClinVar contains an entry for this variant (Variation ID: 1409883). Invitae Evidence Modeling of protein sequence and biophysical properties (such as structural, functional, and spatial information, amino acid conservation, physicochemical variation, residue mobility, and thermodynamic stability) indicates that this missense variant is not expected to disrupt GTF2E2 protein function with a negative predictive value of 80%. In summary, the available evidence is currently insufficient to determine the role of this variant in disease. Therefore, it has been classified as a Variant of Uncertain Significance.

NM_002095.6(GTF2E2):c.749C>G (p.Pro250Arg)

Gene: GTF2E2 (general transcription factor IIE subunit 2; minus strand). Cytogenetic location: 8p12.
Variant type: single nucleotide variant.
Coding change: c.749C>G on transcript NM_002095.6 (MANE Select); coding-DNA position 749, C replaced by G.
Protein change: p.Pro250Arg; replaces proline 250 with arginine.
Molecular consequence: missense variant.
Genome position (GRCh38, 1-based): chr8:30,580,291, G>C on the plus strand (C>G on the coding strand, the complement: GTF2E2 is on the minus strand). VCF-style: chr8-30580291-G-C. GRCh37 (hg19) VCF-style: chr8-30437808-G-C.
Other names: short protein forms P250R.
Identifiers: ClinVar variation 1409883 (VCV001409883.5), dbSNP rs773888848, ClinGen allele CA4700880.
Genomic context (GRCh38, chr8:30,580,291, plus strand): 5'-TAACAGTTCCCAGGGCAGGGGATTAAGCTGCTTTGCTAGAGATTACGCACCACTTTCTTT[G>C]GTCCAGATTCCTGCATGGAAGAAATACCCTGTCGCTTCAGATATTCTTCAATTTTCTCCT-3'
Protein context (NP_002086.1, residues 240-260): QGISSMQESG[Pro250Arg]KKVAPIQRRK